The following is an entry in ClinVar:

NM_024675.4(PALB2):c.2145_2146del (p.Asp715fs)

Gene: PALB2 (partner and localizer of BRCA2; minus strand). Cytogenetic location: 16p12.2.
Variant type: Deletion.
Coding change: c.2145_2146del on transcript NM_024675.4 (MANE Select); coding-DNA positions 2145 to 2146, 2 bases deleted (TA; older notation c.2145_2146delTA).
Protein change: p.Asp715fs; shifts the reading frame from aspartic acid 715.
Molecular consequence: frameshift variant.
Genome position (GRCh38, 1-based): chr16:23,630,008-23,630,009, TA deleted on the plus strand (TA on the coding strand, the reverse complement: PALB2 is on the minus strand); deleting any 2 consecutive bases within chr16:23,630,008-23,630,010 gives the same sequence; the c. name uses the placement nearest the transcript's 3' end. VCF-style (leftmost placement, unchanged base first): chr16-23630007-TTA-T. GRCh37 (hg19) VCF-style: chr16-23641328-TTA-T.
Other names: NM_024675.3:c.2145_2146del; short protein forms D715fs.
Identifiers: ClinVar variation 126638 (VCV000126638.20), dbSNP rs515726081, ClinGen allele CA269522.

ClinVar aggregate classification (germline): Pathogenic. Review status: criteria provided, multiple submitters, no conflicts (2 of 4 stars). 6 submissions from 6 submitters: Pathogenic (4). 2 of the submissions do not count toward it. Last evaluated 2026-09-02.

Conditions:
PALB2-related disorder. Also called: PALB2-related condition; PALB2-related disorders.
Hereditary cancer-predisposing syndrome. Also called: Hereditary Cancer Syndrome; Tumor predisposition; Neoplastic Syndromes, Hereditary; Hereditary neoplastic syndrome. Identifiers: Orphanet 140162, MedGen C0027672, MeSH D009386, MONDO:0015356.
Familial cancer of breast. Also called: BREAST CANCER, FAMILIAL; Hereditary breast cancer; hereditary breast carcinoma. Identifiers: Orphanet 227535, MedGen C0346153, MONDO:0016419, OMIM 114480. Disease mechanism: loss of function.

Submissions (6):

GeneDx
Classification: Pathogenic. Last evaluated: 2026-09-02. Review status: criteria provided, single submitter. Criteria: GeneDx Variant Classification Process June 2021. Collection method: clinical testing. Allele origin: germline.
Comment: Frameshift variant predicted to result in protein truncation or nonsense mediated decay in a gene for which loss of function is a known mechanism of disease; Published functional study demonstrates impaired homology-directed repair activity (PMID: 31636395); Not observed at significant frequency in large population cohorts (gnomAD); Observed in an individual with a personal and family history of breast and/or ovarian cancer (PMID: 21618343); Truncating variants in this gene are considered pathogenic by a well-established clinical consortium and/or database; This variant is associated with the following publications: (PMID: 24136930, 17200668, 17200671, 17200672, 25099575, 21618343, 31636395)

Labcorp Genetics (formerly Invitae), Labcorp
Classification: Pathogenic for Familial cancer of breast. Last evaluated: 2025-12-17. Review status: criteria provided, single submitter. Criteria: Invitae Variant Classification Sherloc (09022015). Collection method: clinical testing. Allele origin: germline.
Comment: This sequence change creates a premature translational stop signal (p.Asp715Glufs*2) in the PALB2 gene. It is expected to result in an absent or disrupted protein product. Loss-of-function variants in PALB2 are known to be pathogenic (PMID: 17200668, 17200671, 17200672, 24136930, 25099575). This variant is not present in population databases (gnomAD no frequency). This premature translational stop signal has been observed in individual(s) with hereditary breast and/or ovarian cancer (PMID: 21618343). ClinVar contains an entry for this variant (Variation ID: 126638). For these reasons, this variant has been classified as Pathogenic.

Ambry Genetics
Classification: Pathogenic for Hereditary cancer-predisposing syndrome. Last evaluated: 2025-08-27. Review status: criteria provided, single submitter. Criteria: Ambry Variant Classification Scheme 2023. Collection method: clinical testing. Allele origin: germline.
Comment: The c.2145_2146delTA pathogenic mutation, located in coding exon 5 of the PALB2 gene, results from a deletion of two nucleotides at nucleotide positions 2145 to 2146, causing a translational frameshift with a predicted alternate stop codon (p.D715Efs*2). This alteration was found to be functionally abnormal in a homology-directed DNA repair (HDR) assay (Hellebrand H et al. Hum Mutat, 2011 Jun;32:E2176-88). This variant is considered to be rare based on population cohorts in the Genome Aggregation Database (gnomAD). This alteration is expected to result in loss of function by premature protein truncation or nonsense-mediated mRNA decay. As such, this alteration is interpreted as a disease-causing mutation.

Myriad Genetics, Inc.
Classification: Pathogenic for Familial cancer of breast. Last evaluated: 2023-09-12. Review status: criteria provided, single submitter. Criteria: Myriad Autosomal Dominant, Autosomal Recessive and X-Linked Classification Criteria (2023). Collection method: clinical testing. Allele origin: unknown.
Comment: This variant is considered pathogenic. This variant creates a frameshift predicted to result in premature protein truncation.

PreventionGenetics, part of Exact Sciences
Classification: Likely pathogenic for PALB2-related condition. Last evaluated: 2023-11-19. Review status: no assertion criteria provided. Collection method: clinical testing. Allele origin: germline. Not counted in ClinVar's aggregate classification.
Comment: The PALB2 c.2145_2146delTA variant is predicted to result in a frameshift and premature protein termination (p.Asp715Glufs*2). This variant was reported in an individual with breast cancer (Hellebrand et al. 2011. PubMed ID: 21618343). This variant has not been reported in a large population database, indicating this variant is rare. This variant has been reported as pathogenic in ClinVar. Frameshift variants in PALB2 are expected to be pathogenic. This variant is interpreted as likely pathogenic.

Leiden Open Variation Database
Classification: Pathogenic for Familial cancer of breast. Last evaluated: 2019-05-13. Review status: no assertion criteria provided. Collection method: curation. Allele origin: germline. Affected: yes. Not counted in ClinVar's aggregate classification.
Comment: Curators: Marc Tischkowitz, Arleen D. Auerbach. Submitters to LOVD: Alfons Meindl, Marc Tischkowitz.

Literature cited by the submitters: PubMed 17200668 (cited by Labcorp Genetics (formerly Invitae), Labcorp); PubMed 17200671 (cited by Labcorp Genetics (formerly Invitae), Labcorp); PubMed 17200672 (cited by Labcorp Genetics (formerly Invitae), Labcorp); PubMed 24136930 (cited by Labcorp Genetics (formerly Invitae), Labcorp); PubMed 25099575 (cited by Labcorp Genetics (formerly Invitae), Labcorp); PubMed 21618343 (cited by 3 submitters); PubMed 31636395 (cited by Ambry Genetics).